The following is an entry in ClinVar:

NM_007294.4(BRCA1):c.2221T>C (p.Ser741Pro)

Gene: BRCA1 (BRCA1 DNA repair associated; minus strand). Cytogenetic location: 17q21.31.
Variant type: single nucleotide variant.
Coding change: c.2221T>C on transcript NM_007294.4 (MANE Select); coding-DNA position 2221, T replaced by C.
Protein change: p.Ser741Pro; replaces serine 741 with proline.
Molecular consequence: missense variant. On other transcripts: intron variant (137).
Genome position (GRCh38, 1-based): chr17:43,093,310, A>G on the plus strand (T>C on the coding strand, the complement: BRCA1 is on the minus strand). VCF-style: chr17-43093310-A-G. GRCh37 (hg19) VCF-style: chr17-41245327-A-G.
Other names: c.2008T>C, p.Ser670Pro (NM_001407571.1, NM_001407853.1, NM_001407894.1 and 9 more transcripts); c.2221T>C, p.Ser741Pro (NM_001407581.1, NM_001407582.1, NM_001407583.1 and 30 more transcripts); c.2218T>C, p.Ser740Pro (NM_001407587.1, NM_001407590.1, NM_001407591.1 and 22 more transcripts); c.2212T>C, p.Ser738Pro (NM_001407646.1, NM_001407647.1); c.2098T>C, p.Ser700Pro (NM_001407648.1, NM_001407664.1, NM_001407665.1 and 19 more transcripts); c.2095T>C, p.Ser699Pro (NM_001407649.1, NM_001407670.1, NM_001407671.1 and 11 more transcripts); c.2143T>C, p.Ser715Pro (NM_001407653.1, NM_001407654.1, NM_001407655.1 and 4 more transcripts); c.2140T>C, p.Ser714Pro (NM_001407659.1, NM_001407660.1, NM_001407661.1 and 1 more transcripts); and 41 more; short protein forms S694P, S741P, S445P, S653P, S671P, S673P, S573P, S613P.
Identifiers: ClinVar variation 945077 (VCV000945077.13), dbSNP rs2053800581, ClinGen allele CA10597557.

ClinVar aggregate classification (germline): Conflicting classifications of pathogenicity. Review status: criteria provided, conflicting classifications (1 of 4 stars). 2 submissions from 2 submitters: Uncertain significance (1); Likely benign (1). Last evaluated 2023-03-23.

Conditions:
Hereditary cancer-predisposing syndrome. Also called: Neoplastic Syndromes, Hereditary; Hereditary Cancer Syndrome; Tumor predisposition; Hereditary neoplastic syndrome. Identifiers: Orphanet 140162, MedGen C0027672, MeSH D009386, MONDO:0015356.
Hereditary breast ovarian cancer syndrome. Also called: Hereditary breast and ovarian cancer syndrome (HBOC); Hereditary breast and ovarian cancer; Breast and ovarian cancer; BRCA1- and BRCA2-Associated Hereditary Breast and Ovarian Cancer; Hereditary breast and ovarian cancer syndrome; Hereditary breast and/or ovarian cancer syndrome. Identifiers: Orphanet 145, MedGen C0677776, MeSH D061325, MONDO:0003582. Disease mechanism: loss of function.

Submissions (2):

University of Washington Department of Laboratory Medicine, University of Washington
Classification: Likely benign for Hereditary cancer-predisposing syndrome. Last evaluated: 2023-03-23. Review status: criteria provided, single submitter. Criteria: Dines et al. (Genet Med. 2020). Collection method: curation. Allele origin: germline.
Comment: Missense variant in a coldspot region where missense variants are very unlikely to be pathogenic (PMID:31911673).

BRCA1 coldspot (exon 11 using historical exon numbering). Reclassification based on statistical prior probability

Labcorp Genetics (formerly Invitae), Labcorp
Classification: Uncertain significance for Hereditary breast ovarian cancer syndrome. Last evaluated: 2019-05-02. Review status: criteria provided, single submitter. Criteria: Invitae Variant Classification Sherloc (09022015). Collection method: clinical testing. Allele origin: germline.
Comment: In summary, the available evidence is currently insufficient to determine the role of this variant in disease. Therefore, it has been classified as a Variant of Uncertain Significance. Algorithms developed to predict the effect of missense changes on protein structure and function output the following: SIFT: "Tolerated"; PolyPhen-2: "Possibly Damaging"; Align-GVGD: "Class C0". The proline amino acid residue is found in multiple mammalian species, suggesting that this missense change does not adversely affect protein function. These predictions have not been confirmed by published functional studies and their clinical significance is uncertain. This variant has not been reported in the literature in individuals with BRCA1-related conditions. This variant is not present in population databases (ExAC no frequency). This sequence change replaces serine with proline at codon 741 of the BRCA1 protein (p.Ser741Pro). The serine residue is moderately conserved and there is a moderate physicochemical difference between serine and proline.